The following is an entry in ClinVar:

NM_000090.4(COL3A1):c.1924-102G>A

Gene: COL3A1 (collagen type III alpha 1 chain; plus strand). Cytogenetic location: 2q32.2.
Variant type: single nucleotide variant.
Coding change: c.1924-102G>A on transcript NM_000090.4 (MANE Select); 102 bases into the intron before coding-DNA position 1924, G replaced by A.
Molecular consequence: intron variant.
Genome position (GRCh38, 1-based): chr2:188,998,164, G>A. VCF-style: chr2-188998164-G-A. GRCh37 (hg19) VCF-style: chr2-189862890-G-A.
Identifiers: ClinVar variation 673357 (VCV000673357.2), dbSNP rs28736387, ClinGen allele CA62599399.
Genomic context (GRCh38, chr2:188,998,164, plus strand): 5'-ATCACGTATGTGTCACTGGATTTTGAGTGGCACAACGTTTCTACCCCTACAAGACCACTG[G>A]AACTTTTTTTTAATATCTTGCAGAAACATGTGTACATATGAGAAGCTTTTCTATAAGCCA-3'

ClinVar aggregate classification (germline): Benign. Review status: criteria provided, multiple submitters, no conflicts (2 of 4 stars). 2 submissions from 2 submitters: Benign (2). Last evaluated 2018-06-14.

Allele frequency attached by ClinVar (database versions not stated): gnomAD exomes 0.03411; TOPMed 0.13259; 1000 Genomes Project 0.15475; 1000 Genomes Project 30x 0.15896.
gnomAD v4.1: 50,958 of 1,090,632 alleles (4.7%); highest among the groups gnomAD compares: African/African-American, 35%; 4,562 homozygotes.

Submissions (2):

GeneDx
Classification: Benign. Last evaluated: 2018-06-14. Review status: criteria provided, single submitter. Criteria: GeneDx Variant Classification (06012015). Collection method: clinical testing. Allele origin: germline. Affected: yes.
Comment: This variant is considered likely benign or benign based on one or more of the following criteria: it is a conservative change, it occurs at a poorly conserved position in the protein, it is predicted to be benign by multiple in silico algorithms, and/or has population frequency not consistent with disease.

Breakthrough Genomics
Classification: Benign. Review status: criteria provided, single submitter. Criteria: ACMG Guidelines, 2015. Collection method: not provided. Allele origin: germline. Inheritance: Autosomal recessive inheritance. Affected: yes.